The following is an entry in ClinVar:

ClinVar aggregate classification (germline): Pathogenic/Likely pathogenic. Review status: criteria provided, multiple submitters, no conflicts (2 of 4 stars). 8 submissions from 8 submitters: Pathogenic (6); Likely pathogenic (1). 1 of the submissions does not count toward it. Last evaluated 2025-12-15.

Conditions:
OPA1-related disorder. Also called: OPA1-related condition; OPA1-related disorders.
Autosomal dominant optic atrophy classic form (OPA1). Also called: OPTIC ATROPHY, JUVENILE; Optic Atrophy Type 1; KJER-TYPE OPTIC ATROPHY. Identifiers: Orphanet 98673, MedGen C0338508, MONDO:0008134, OMIM 165500.

Allele frequency attached by ClinVar (database versions not stated): gnomAD exomes below 0.00001; ExAC 0.00001.

Submissions (8):

PreventionGenetics, part of Exact Sciences
Classification: Pathogenic for OPA1-related condition. Last evaluated: 2025-12-15. Review status: criteria provided, single submitter. Criteria: ACMG Guidelines, 2015. Collection method: clinical testing. Allele origin: germline.
Comment: The OPA1 c.1035+5G>A variant is predicted to interfere with splicing. This variant can also be denoted as c.870+5G>A using transcript NM_015560.2. This variant is predicted to decrease the strength of the canonical splice donor site (SpliceAI, Jaganathan et al. 2019. PubMed ID: 30661751), and a functional study using RT-PCR on patient-derived cells showed that this variant leads to skipping of the exon (Toomes et al. 2001. PubMed ID: 11440989). This variant has been reported in many individuals with optic atrophy (see for examples: Baris et al. 2003. PubMed ID: 14961560; Toomes et al. 2001. PubMed ID: 11440989; Yu-Wai-Man et al. 2016. PubMed ID: 27656661). This variant is present in 0.00088% of alleles in individuals of European (Non-Finnish) descent in gnomAD. This variant is interpreted as pathogenic.

Labcorp Genetics (formerly Invitae), Labcorp
Classification: Pathogenic. Last evaluated: 2025-05-02. Review status: criteria provided, single submitter. Criteria: Invitae Variant Classification Sherloc (09022015). Collection method: clinical testing. Allele origin: germline.
Comment: This sequence change falls in intron 8 of the OPA1 gene. It does not directly change the encoded amino acid sequence of the OPA1 protein. RNA analysis indicates that this variant induces altered splicing and likely results in a shortened protein product. The frequency data for this variant in the population databases is considered unreliable, as metrics indicate poor data quality at this position in the gnomAD database. This variant has been observed in individuals with autosomal dominant optic atrophy (PMID: 11440989, 12036970, 20157015, 28926202). ClinVar contains an entry for this variant (Variation ID: 431939). Experimental studies have shown that this variant affects OPA1 function (PMID: 36927155). Variants that disrupt the consensus splice site are a relatively common cause of aberrant splicing (PMID: 17576681, 9536098). Studies have shown that this variant results in skipping of exon 8, but is expected to preserve the integrity of the reading-frame (PMID: 11440989, 12036970, 36927155). For these reasons, this variant has been classified as Pathogenic.

GeneDx
Classification: Pathogenic. Last evaluated: 2024-07-29. Review status: criteria provided, single submitter. Criteria: GeneDx Variant Classification Process June 2021. Collection method: clinical testing. Allele origin: germline. Affected: yes.
Comment: Intronic variant directly or indirectly altering the +5 splice site in a gene for which loss of function is a known mechanism of disease, and published functional studies demonstrate a damaging effect (PMID: 11440989, 11810270, 36927155); Not observed at significant frequency in large population cohorts (gnomAD); This variant is associated with the following publications: (PMID: 25525159, 14961560, 11440989, 11810270, 20157015, 25641387, 25794858, 20417570, 24907432, 25044830, 34242285, 11440988, 27656661, 28926202, 33841295, Macuada[article]2024, 38219857, 36927155)

CeGaT Center for Human Genetics Tuebingen
Classification: Pathogenic. Last evaluated: 2024-06-01. Review status: criteria provided, single submitter. Criteria: CeGaT Center For Human Genetics Tuebingen Variant Classification Criteria Version 2. Collection method: clinical testing. Allele origin: germline. Affected: yes. Observed: 6 variant alleles.
Comment: OPA1: PM1, PM2, PM6, PS3:Moderate, PS4:Moderate, PP4

Blueprint Genetics
Classification: Pathogenic for OPA1-related disorders. Last evaluated: 2023-08-11. Review status: criteria provided, single submitter. Criteria: ACMG Guidelines, 2015. Collection method: clinical testing. Allele origin: germline. Affected: yes. Observed: 4 variant alleles.

3billion
Classification: Pathogenic for Autosomal dominant optic atrophy classic form. Last evaluated: 2022-03-22. Review status: criteria provided, single submitter. Criteria: ACMG Guidelines, 2015. Collection method: clinical testing. Allele origin: germline. Affected: yes. Observed: 1 heterozygote.
Comment: The variant has been observed in multiple (>3) similarly affected unrelated individuals (PMID: 11440989, 14961560, 20417570, 25137924) and co-segregated with Optic atrophy 1, in multiple affected family members (PMID: 20417570). The variant has been reported at least twice as pathogenic/likely pathogenic with clinical assertions and evidence for the classification (ClinVar ID: VCV000431939). It is observed at an extremely low frequency in the gnomAD v2.1.1 dataset (total allele frequency: 0.000004). Therefore, this variant is classified as pathogenic according to the recommendation of ACMG/AMP guideline.

Athena Diagnostics
Classification: Likely pathogenic. Last evaluated: 2017-04-28. Review status: criteria provided, single submitter. Criteria: Athena Diagnostics Criteria. Collection method: clinical testing. Allele origin: germline.

Joint Genome Diagnostic Labs from Nijmegen and Maastricht, Radboudumc and MUMC+
Classification: Likely pathogenic for Autosomal dominant optic atrophy classic form. Last evaluated: 2016-09-01. Review status: no assertion criteria provided. Collection method: clinical testing. Allele origin: inherited. Affected: yes. Observed: 1 variant allele. Not counted in ClinVar's aggregate classification.

Literature cited by the submitters: PubMed 11440989 (cited by 3 submitters); PubMed 12036970 (cited by Labcorp Genetics (formerly Invitae), Labcorp); PubMed 20157015 (cited by Labcorp Genetics (formerly Invitae), Labcorp and Athena Diagnostics); PubMed 28926202 (cited by Labcorp Genetics (formerly Invitae), Labcorp); PubMed 36927155 (cited by Labcorp Genetics (formerly Invitae), Labcorp); PubMed 17576681 (cited by Labcorp Genetics (formerly Invitae), Labcorp); PubMed 9536098 (cited by Labcorp Genetics (formerly Invitae), Labcorp); PubMed 25137924 (cited by 3billion); PubMed 20417570 (cited by 3billion); PubMed 14961560 (cited by 3billion); PubMed 27656661 (cited by Athena Diagnostics).

NM_130837.3(OPA1):c.1035+5G>A

Gene: OPA1 (OPA1 mitochondrial dynamin like GTPase; plus strand). Cytogenetic location: 3q29.
Variant type: single nucleotide variant.
Coding change: c.1035+5G>A on transcript NM_130837.3 (MANE Select); 5 bases into the intron after coding-DNA position 1035, G replaced by A.
Molecular consequence: intron variant.
Genome position (GRCh38, 1-based): chr3:193,637,286, G>A. VCF-style: chr3-193637286-G-A. GRCh37 (hg19) VCF-style: chr3-193355075-G-A.
Other names: c.498+5G>A (NM_001354664.2); c.501+5G>A (NM_001354663.2); c.924+5G>A (NM_130834.3); c.981+5G>A (NM_130836.3); c.870+5G>A (NM_015560.3); c.927+5G>A (NM_130835.3); c.816+5G>A (NM_130832.3); c.873+5G>A (NM_130833.3); and 1 more.
Identifiers: ClinVar variation 431939 (VCV000431939.49), dbSNP rs754576717, ClinGen allele CA2759236.